The following is an entry in ClinVar:

ClinVar aggregate classification (germline): Uncertain significance (1 of 4 stars; one submission).

Conditions:
Hereditary cancer-predisposing syndrome. Also called: Hereditary Cancer Syndrome; Hereditary neoplastic syndrome; Neoplastic Syndromes, Hereditary; Tumor predisposition. Identifiers: Orphanet 140162, MedGen C0027672, MeSH D009386, MONDO:0015356.

Submission:

Ambry Genetics
Classification: Uncertain significance for Hereditary cancer-predisposing syndrome. Last evaluated: 2025-09-13. Review status: criteria provided, single submitter. Criteria: Ambry Variant Classification Scheme 2023. Collection method: clinical testing. Allele origin: germline.
Comment: The p.P431T variant (also known as c.1291C>A), located in coding exon 6 of the ALK gene, results from a C to A substitution at nucleotide position 1291. The proline at codon 431 is replaced by threonine, an amino acid with highly similar properties. This amino acid position is conserved. In addition, this alteration is predicted to be tolerated by in silico analysis. Based on the available evidence, the clinical significance of this variant remains unclear.

NM_004304.5(ALK):c.1291C>A (p.Pro431Thr)

Gene: ALK (ALK receptor tyrosine kinase; minus strand). Cytogenetic location: 2p23.2.
Variant type: single nucleotide variant.
Coding change: c.1291C>A on transcript NM_004304.5 (MANE Select); coding-DNA position 1291, C replaced by A.
Protein change: p.Pro431Thr; replaces proline 431 with threonine.
Molecular consequence: missense variant.
Genome position (GRCh38, 1-based): chr2:29,328,473, G>T on the plus strand (C>A on the coding strand, the complement: ALK is on the minus strand). VCF-style: chr2-29328473-G-T. GRCh37 (hg19) VCF-style: chr2-29551339-G-T.
Other names: short protein forms P431T.
Identifiers: ClinVar variation 4273302 (VCV004273302.1).